The following is an entry in ClinVar:

NM_020778.5(ALPK3):c.2993C>T (p.Thr998Ile)

Gene: ALPK3 (alpha kinase 3; plus strand). Cytogenetic location: 15q25.3.
Variant type: single nucleotide variant.
Coding change: c.2993C>T on transcript NM_020778.5 (MANE Select); coding-DNA position 2993, C replaced by T.
Protein change: p.Thr998Ile; replaces threonine 998 with isoleucine.
Molecular consequence: missense variant.
Genome position (GRCh38, 1-based): chr15:84,857,731, C>T. VCF-style: chr15-84857731-C-T. GRCh37 (hg19) VCF-style: chr15-85400962-C-T.
Other names: short protein forms T998I.
Identifiers: ClinVar variation 1403897 (VCV001403897.8), dbSNP rs773997314, ClinGen allele CA7709534.

ClinVar aggregate classification (germline): Uncertain significance. Review status: criteria provided, multiple submitters, no conflicts (2 of 4 stars). 2 submissions from 2 submitters: Uncertain significance (2). Last evaluated 2025-12-20.

Conditions:
Cardiovascular phenotype. Identifiers: MedGen CN230736.

Allele frequency attached by ClinVar (database versions not stated): gnomAD 0.00001; gnomAD exomes 0.00001; TOPMed 0.00002.
gnomAD v4.1: 19 of 1,613,342 alleles (0.0012%); highest among the groups gnomAD compares: Admixed American, 0.0017%; no homozygotes.

Submissions (2):

Labcorp Genetics (formerly Invitae), Labcorp
Classification: Uncertain significance. Last evaluated: 2025-12-20. Review status: criteria provided, single submitter. Criteria: Invitae Variant Classification Sherloc (09022015). Collection method: clinical testing. Allele origin: germline.
Comment: This sequence change replaces threonine, which is neutral and polar, with isoleucine, which is neutral and non-polar, at codon 1200 of the ALPK3 protein (p.Thr1200Ile). The frequency data for this variant in the population databases is considered unreliable, as metrics indicate poor data quality at this position in the gnomAD database. This variant has not been reported in the literature in individuals affected with ALPK3-related conditions. ClinVar contains an entry for this variant (Variation ID: 1403897). Invitae Evidence Modeling of protein sequence and biophysical properties (such as structural, functional, and spatial information, amino acid conservation, physicochemical variation, residue mobility, and thermodynamic stability) indicates that this missense variant is not expected to disrupt ALPK3 protein function with a negative predictive value of 80%. In summary, the available evidence is currently insufficient to determine the role of this variant in disease. Therefore, it has been classified as a Variant of Uncertain Significance.

Ambry Genetics
Classification: Uncertain significance for Cardiovascular phenotype. Last evaluated: 2022-08-16. Review status: criteria provided, single submitter. Criteria: Ambry Variant Classification Scheme 2023. Collection method: clinical testing. Allele origin: germline.
Comment: The p.T1200I variant (also known as c.3599C>T), located in coding exon 6 of the ALPK3 gene, results from a C to T substitution at nucleotide position 3599. The threonine at codon 1200 is replaced by isoleucine, an amino acid with similar properties. This amino acid position is conserved. In addition, this alteration is predicted to be tolerated by in silico analysis. Since supporting evidence is limited at this time, the clinical significance of this alteration remains unclear.